The following is an entry in ClinVar:

ClinVar aggregate classification (germline): Uncertain significance (1 of 4 stars; one submission).

Conditions:
DICER1-related tumor predisposition. Also called: DICER1 syndrome; DICER1-related pleuropulmonary blastoma cancer predisposition syndrome. Identifiers: Orphanet 284343, MedGen C3839822, MONDO:0100216.

Submission:

Labcorp Genetics (formerly Invitae), Labcorp
Classification: Uncertain significance for DICER1-related tumor predisposition. Last evaluated: 2023-08-02. Review status: criteria provided, single submitter. Criteria: Invitae Variant Classification Sherloc (09022015). Collection method: clinical testing. Allele origin: germline.
Comment: Advanced modeling of protein sequence and biophysical properties (such as structural, functional, and spatial information, amino acid conservation, physicochemical variation, residue mobility, and thermodynamic stability) performed at Invitae indicates that this missense variant is not expected to disrupt DICER1 protein function. In summary, the available evidence is currently insufficient to determine the role of this variant in disease. Therefore, it has been classified as a Variant of Uncertain Significance. ClinVar contains an entry for this variant (Variation ID: 1351711). This variant has not been reported in the literature in individuals affected with DICER1-related conditions. This variant is not present in population databases (gnomAD no frequency). This sequence change replaces serine, which is neutral and polar, with arginine, which is basic and polar, at codon 685 of the DICER1 protein (p.Ser685Arg).

NM_177438.3(DICER1):c.2053A>C (p.Ser685Arg)

Gene: DICER1 (dicer 1, ribonuclease III; minus strand). Cytogenetic location: 14q32.13.
Variant type: single nucleotide variant.
Coding change: c.2053A>C on transcript NM_177438.3 (MANE Select); coding-DNA position 2053, A replaced by C.
Protein change: p.Ser685Arg; replaces serine 685 with arginine.
Molecular consequence: missense variant.
Genome position (GRCh38, 1-based): chr14:95,112,235, T>G on the plus strand (A>C on the coding strand, the complement: DICER1 is on the minus strand). VCF-style: chr14-95112235-T-G. GRCh37 (hg19) VCF-style: chr14-95578572-T-G.
Other names: c.2053A>C, p.Ser685Arg (NM_001195573.1, NM_001271282.3, NM_001291628.2 and 1 more transcripts); short protein forms S685R.
Identifiers: ClinVar variation 1351711 (VCV001351711.9), dbSNP rs1003714112, ClinGen allele CA390883122.